The following is an entry in ClinVar:

NM_004304.5(ALK):c.2263C>T (p.His755Tyr)

Gene: ALK (ALK receptor tyrosine kinase; minus strand). Cytogenetic location: 2p23.2.
Variant type: single nucleotide variant.
Coding change: c.2263C>T on transcript NM_004304.5 (MANE Select); coding-DNA position 2263, C replaced by T.
Protein change: p.His755Tyr; replaces histidine 755 with tyrosine.
Molecular consequence: missense variant.
Genome position (GRCh38, 1-based): chr2:29,239,772, G>A on the plus strand (C>T on the coding strand, the complement: ALK is on the minus strand). VCF-style: chr2-29239772-G-A. GRCh37 (hg19) VCF-style: chr2-29462638-G-A.
Other names: short protein forms H755Y.
Identifiers: ClinVar variation 3524206 (VCV003524206.1).

ClinVar aggregate classification (germline): Uncertain significance (1 of 4 stars; one submission).

Conditions:
Hereditary cancer-predisposing syndrome. Also called: Hereditary Cancer Syndrome; Hereditary neoplastic syndrome; Tumor predisposition; Neoplastic Syndromes, Hereditary. Identifiers: Orphanet 140162, MedGen C0027672, MeSH D009386, MONDO:0015356.

Submission:

Ambry Genetics
Classification: Uncertain significance for Hereditary cancer-predisposing syndrome. Last evaluated: 2024-07-26. Review status: criteria provided, single submitter. Criteria: Ambry Variant Classification Scheme 2023. Collection method: clinical testing. Allele origin: germline.
Comment: The p.H755Y variant (also known as c.2263C>T), located in coding exon 13 of the ALK gene, results from a C to T substitution at nucleotide position 2263. The histidine at codon 755 is replaced by tyrosine, an amino acid with similar properties. This amino acid position is conserved. In addition, this alteration is predicted to be tolerated by in silico analysis. Based on the available evidence, the clinical significance of this variant remains unclear.